The following is an entry in ClinVar:

NM_000265.7(NCF1):c.496A>G (p.Asn166Asp)

Genes: NCF1 (neutrophil cytosolic factor 1; plus strand), LOC106029312 (Williams-Beuren syndrome medial block B recombination region; plus strand). Cytogenetic location: 7q11.23.
Variant type: single nucleotide variant.
Coding change: c.496A>G on transcript NM_000265.7 (MANE Select); coding-DNA position 496, A replaced by G.
Protein change: p.Asn166Asp; replaces asparagine 166 with aspartic acid.
Molecular consequence: missense variant.
Genome position (GRCh38, 1-based): chr7:74,782,983, A>G. VCF-style: chr7-74782983-A-G. GRCh37 (hg19) VCF-style: chr7-74197326-A-G.
Other names: p.Asn166Asp; c.496A>G (NM_000265.6); short protein forms N166D.
Identifiers: ClinVar variation 1285178 (VCV001285178.4), dbSNP rs782555266, ClinGen allele CA4298154.

ClinVar aggregate classification (germline): Benign/Likely benign. Review status: criteria provided, multiple submitters, no conflicts (2 of 4 stars). 4 submissions from 4 submitters: Benign (1); Likely benign (1). 2 of the submissions do not count toward it. Last evaluated 2025-07-30.

Allele frequency attached by ClinVar (database versions not stated): gnomAD exomes 0.00083; 1000 Genomes Project 30x 0.02561; gnomAD 0.01672 and 0.01786; ExAC 0.00030.

Submissions (4):

Mayo Clinic Laboratories, Mayo Clinic
Classification: Benign. Last evaluated: 2025-07-30. Review status: criteria provided, single submitter. Criteria: ACMG Guidelines, 2015. Collection method: clinical testing. Allele origin: germline. Observed: 2 variant alleles.
Comment: BS1, BS2, BP4_moderate

Breakthrough Genomics
Classification: Likely benign. Review status: criteria provided, single submitter. Criteria: ACMG Guidelines, 2015. Collection method: not provided. Allele origin: germline. Inheritance: Autosomal recessive inheritance. Affected: yes.

Clinical Genetics DNA and cytogenetics Diagnostics Lab, Erasmus MC, Erasmus Medical Center
Classification: Benign. Review status: no assertion criteria provided. Collection method: clinical testing. Allele origin: germline. Affected: yes. Study: VKGL Data-share Consensus. Not counted in ClinVar's aggregate classification.

Genome Diagnostics Laboratory, University Medical Center Utrecht
Classification: Likely benign. Review status: no assertion criteria provided. Collection method: clinical testing. Allele origin: germline. Affected: yes. Study: VKGL Data-share Consensus. Not counted in ClinVar's aggregate classification.